The following is an entry in ClinVar:

NC_000006.11:g.(?_129419298)_(129419580_?)del

Gene: LAMA2 (laminin subunit alpha 2; plus strand). Cytogenetic location: 6q22.33.
Variant type: Deletion.
Identifiers: ClinVar variation 2423054 (VCV002423054.5).

ClinVar aggregate classification (germline): Pathogenic (1 of 4 stars; one submission).

Conditions:
LAMA2-related muscular dystrophy (LAMA2-RD). Also called: Laminin alpha 2-related dystrophy. Identifiers: MedGen C5679788, MONDO:0100228.

Submission:

Labcorp Genetics (formerly Invitae), Labcorp
Classification: Pathogenic for LAMA2-related muscular dystrophy. Last evaluated: 2023-07-18. Review status: criteria provided, single submitter. Criteria: Invitae Variant Classification Sherloc (09022015). Collection method: clinical testing. Allele origin: germline.
Comment: For these reasons, this variant has been classified as Pathogenic. A similar copy number variant has been observed in individual(s) with congenital muscular dystrophy (PMID: 24611677). In at least one individual the data is consistent with being in trans (on the opposite chromosome) from a pathogenic variant. This variant is a gross deletion of the genomic region encompassing exon(s) 4 of the LAMA2 gene. This variant would be expected to be in-frame, preserving the integrity of the reading frame.

Literature cited by the submitters: PubMed 24611677.